The following is an entry in ClinVar:

ClinVar aggregate classification (germline): Likely benign (1 of 4 stars; one submission).

Submission:

CeGaT Center for Human Genetics Tuebingen
Classification: Likely benign. Last evaluated: 2026-03-01. Review status: criteria provided, single submitter. Criteria: CeGaT Center For Human Genetics Tuebingen Variant Classification Criteria Version 2. Collection method: clinical testing. Allele origin: germline. Affected: yes. Observed: 1 variant allele.
Comment: FDXACB1: BP4, BP7

NM_138378.3(FDXACB1):c.1527G>A (p.Thr509=)

Gene: FDXACB1 (ferredoxin-fold anticodon binding domain containing 1; minus strand). Cytogenetic location: 11q23.1.
Variant type: single nucleotide variant.
Coding change: c.1527G>A on transcript NM_138378.3 (MANE Select); coding-DNA position 1527, G replaced by A.
Protein change: p.Thr509=; no amino-acid change (threonine 509 retained).
Molecular consequence: synonymous variant. On other transcripts: non-coding transcript variant (1).
Genome position (GRCh38, 1-based): chr11:111,875,270, C>T on the plus strand (G>A on the coding strand, the complement: FDXACB1 is on the minus strand). VCF-style: chr11-111875270-C-T. GRCh37 (hg19) VCF-style: chr11-111745994-C-T.
Identifiers: ClinVar variation 4822158 (VCV004822158.4).